The following is an entry in ClinVar:

NM_000402.4(G6PD):c.292G>A (p.Val98Met)

Gene: G6PD (glucose-6-phosphate dehydrogenase; minus strand). Cytogenetic location: Xq28.
Variant type: single nucleotide variant.
Coding change: c.292G>A on transcript NM_000402.4; coding-DNA position 292, G replaced by A.
Protein change: p.Val98Met; replaces valine 98 with methionine.
Molecular consequence: missense variant.
Genome position (GRCh38, 1-based): chrX:154,536,002, C>T on the plus strand (G>A on the coding strand, the complement: G6PD is on the minus strand). VCF-style: chrX-154536002-C-T. GRCh37 (hg19) VCF-style: chrX-153764217-C-T.
Other names: G6PD, VAL68MET; G6PD BETICA; G6PD CASTILLA; G6PD DISTRITO FEDERAL; G6PD TEPIC; G6PD Asahi; p.(Val68Met); c.202G>A, p.Val68Met (NM_001042351.3, NM_001360016.2); short protein forms V68M, V98M.
Identifiers: ClinVar variation 37123 (VCV000037123.111), dbSNP rs1050828, ClinGen allele CA090913.
Genomic context (GRCh38, chrX:154,536,002, plus strand): 5'-AGAAGGGCTCACTCTGTTTGCGGATGTCAGCCACTGTGAGGCGGGAACGGGCATAGCCCA[C>T]GATGAAGGTGTTTTCGGGCAGAAGGCCATCCCGGAACAGCCACCTGAGGGCAGGGCACAG-3'

ClinVar aggregate classification (germline): Pathogenic/Likely pathogenic. Review status: criteria provided, multiple submitters, no conflicts (2 of 4 stars). 48 submissions from 47 submitters: Pathogenic (31); Likely pathogenic (6). 11 of the submissions do not count toward it. Last evaluated 2026-08-06.

Conditions:
G6PD-related disorders.
G6PD deficiency. Also called: G6PD A-. Identifiers: MedGen C2939465, MONDO:0005775.
Anemia, nonspherocytic hemolytic, due to G6PD deficiency (CNSHA1). Also called: Class I glucose-6-phosphate dehydrogenase deficiency; ANEMIA, CONGENITAL, NONSPHEROCYTIC HEMOLYTIC, 1; Hemolytic anemia due to G6PD deficiency; Favism, susceptibility to. Identifiers: Orphanet 466026, MedGen C2720289, MONDO:0010480, OMIM 300908.
Inborn genetic diseases. Identifiers: MedGen C0950123, MeSH D030342.
Malaria, susceptibility to. Identifiers: Orphanet 673, MedGen C1970028, MONDO:0021024, OMIM 611162.
G6PD ASAHI.

Allele frequency attached by ClinVar (database versions not stated): gnomAD exomes 0.00354 and 0.00906; gnomAD 0.03616 and 0.03374; 1000 Genomes Project 30x 0.03892; 1000 Genomes Project 0.03762; ExAC 0.01151; TOPMed 0.03837.
gnomAD v4.1: 7,797 of 1,210,144 alleles (0.64%); highest among the groups gnomAD compares: African/African-American, 12%; 328 homozygotes.

Submissions 1 to 10 of 48:

OLLIN Analises Genomicas, OLLIN
Classification: Pathogenic for Anemia, nonspherocytic hemolytic, due to G6PD deficiency. Last evaluated: 2026-08-06. Review status: criteria provided, single submitter. Criteria: ACMG Guidelines 2015 PMID 25741868. Collection method: clinical testing. Allele origin: germline. Inheritance: X-linked inheritance.
Comment: This missense variant, located in exon 4 (of 13), has been reported in ClinVar (accession VCV000037123.107), in gnomAD with an allele frequency of 0.64%, and in the scientific literature in individuals with G6PD related disorders (PMID: 11852882, 23006493, 22307442, 9674740, 27287612, 263378, 1206491, 10747271, 25201310). In silico analysis is inconclusive regarding the impact of this variant; however, functional studies suggest that it may affect protein function (PMID: 11852882, 23006493, 22307442, 9674740, 27287612, 263378, 1206491, 10747271, 25201310). According to the currently available evidence, this variant has been classified as pathogenic (PS3, PS4).

Dasa
Classification: Pathogenic. Last evaluated: 2026-04-20. Review status: criteria provided, single submitter. Criteria: DASA Assertion Criteria. Collection method: clinical testing. Allele origin: germline.
Comment: NM_001360016.2(G6PD):c.202G>A (p.Val68Met) is a missense variant that results in the substitution of valine with methionine. Functional evidence supports a deleterious effect on the gene or gene product (PMID: 1303173; PMID: 24505519; PMID: 2572288; PMID: 25201310; PMID: 21153663). This variant has been recurrently observed in individuals with related phenotype (PMID: 1303173; PMID: 24505519; PMID: 2572288; PMID: 25201310; PMID: 21153663). Multiple computational predictions support a deleterious effect on the gene or gene product. The variant is present at low frequency in population datasets. Based on the available data, this variant is classified as pathogenic.

Center for Genomic Medicine, Rigshospitalet, Copenhagen University Hospital
Classification: Pathogenic. Last evaluated: 2025-12-29. Review status: criteria provided, single submitter. Criteria: ACMG Guidelines, 2015. Collection method: clinical testing. Allele origin: germline.

Department of Molecular Genetics, Istishari Arab Hospital
Classification: Pathogenic for Anemia, nonspherocytic hemolytic, due to G6PD deficiency. Last evaluated: 2025-12-18. Review status: criteria provided, single submitter. Criteria: ACMG Guidelines, 2015. Collection method: clinical testing. Allele origin: germline. Inheritance: Autosomal recessive inheritance. Affected: yes.
Comment: The G6PD variant c.202G>A p.Val68Met creates a change in the amino acid from Val to Met at position 68. This variant was previously reported as disease-causing for Glucose-6-Phosphate Dehydrogenase (G6PD) Deficiency (PMID: 36150187, 34620237, 32387609, and many others). . It is classified as pathogenic based on the recommendations of ACMG/AMP/ClinGen SVI guidelines.

Mayo Clinic Laboratories, Mayo Clinic
Classification: Pathogenic. Last evaluated: 2025-11-04. Review status: criteria provided, single submitter. Criteria: ACMG Guidelines, 2015. Collection method: clinical testing. Allele origin: germline. Observed: 116 variant alleles.

3billion
Classification: Pathogenic for Anemia, nonspherocytic hemolytic, due to G6PD deficiency. Last evaluated: 2025-10-24. Review status: criteria provided, single submitter. Criteria: ACMG Guidelines, 2015. Collection method: clinical testing. Allele origin: germline. Affected: yes.
Comment: The variant is observed in the gnomAD v4.1.0 dataset (total allele frequency: 0.644%). Predicted Consequence/Location: Missense variant. Missense changes are a common disease-causing mechanism. Functional studies provide strong evidence of the variant having a damaging effect on the gene or gene product (PMID: 32387609). In silico tool predictions suggest damaging effect of the variant on gene or gene product [REVEL: 0.83 (>=0.6, sensitivity 0.68 and specificity 0.92); 3Cnet: 0.99 (> 0.75, sensitivity 0.96 and precision 0.92)]. The same nucleotide change resulting in the same amino acid change has been previously reported as pathogenic/likely pathogenic with strong evidence (ClinVar ID: VCV000037123 /PMID: 3393536 /3billion dataset). The variant has been reported to be in trans with a pathogenic variant as either compound heterozygous or homozygous in at least one similarly affected unrelated individual (PMID: 33069889, 33072997). Therefore, this variant is classified as Pathogenic according to the recommendation of ACMG/AMP guideline.

Rady Children's Institute for Genomic Medicine, Rady Children's Hospital San Diego
Classification: Pathogenic for Anemia, Nonspherocytic hemolytic, due to G6PD deficiency. Last evaluated: 2025-09-12. Review status: criteria provided, single submitter. Criteria: ACMG Guidelines, 2015. Collection method: clinical testing. Allele origin: germline. Affected: yes.
Comment: This variant is also known as c.292G>A (p.Val98Met) and is commonly referred to as the Asahi variant. The c.202G>A (p.Val68Met) variant affects a moderately conserved amino acid and is predicted by multiple in silico tools to have a deleterious effect on protein function. The c.202G>A (p.Val68Met) variant has been previously reported in the heterozygous, homozygous, and hemizygous state in numerous individuals with G6PD deficiency (PMID: 11852882, 23006493, 30045279, 33636823). Functional studies demonstrate that this variant leads to moderately reduced G6PD enzyme activity (PMID: 11852882, 25201310). The c.202G>A (p.Val68Met) variant is present in the latest version of the gnomAD population database at an allele frequency of 0.6% (7797/1210144), including 328 homozygous and 2070 hemizygous individuals, and has an allele frequency of 12.3% in the African/African American population specifically. This frequency is consistent with the disease prevalence and incomplete penetrance characteristic of G6PD deficiency. Based on the available evidence, c.202G>A (p.Val68Met) is classified as Pathogenic.

Variantyx, Inc.
Classification: Pathogenic for Anemia, nonspherocytic hemolytic, due to G6PD deficiency. Last evaluated: 2025-03-27. Review status: criteria provided, single submitter. Criteria: Variantyx Assertion Criteria 2022. Collection method: clinical testing. Allele origin: maternal.
Comment: This is a complex allele formed by two nonsynonymous variants in the G6PD gene (OMIM: 305900). Pathogenic variants in this gene have been associated with X-linked glucose-6-phosphate dehydrogenase (G6PD) deficiency. This complex allele, also reported as p.[Val98Met; Asn156Asp], has been identified in a large number of individuals with X-linked G6PD deficiency, predominantly of African ancestry (PMID: 3393536, 7959686, 1185882, 25201310, 24943486) (PS4). This allele is frequently referred to as the A- haplotype. Functional studies have shown that the A- haplotype causes a significant reduction in enzyme activity and alters the electrophoretic mobility of the G6PD protein (PMID: 3393536, 25201310, 7959686) (PS3). The A+ haplotype, which lacks the p.Val68Met variant but contains the p.Asn126Asp variant, does not cause enzyme deficiency, strongly arguing that p.Val68Met is the primary contributor to the functional defect of the A- haplotype (PMID: 26633385). Multiple computational algorithms predict a deleterious effect for the p.Val68Met variant (REVEL score: 0.826) (PP3_Moderate), whereas p.Asn126Asp is predicted to have a benign impact (REVEL score: 0.274). The p.Val68Met and p.Asn126Asp variants have maximum allele frequencies of 12.28% and 31.88%, respectively, in non-founder control populations. The high frequency of the p.Val68Met variant in African populations is consistent with the prevalence of G6PD deficiency in these populations and has been associated with protection against malaria (PMID: 25201310, 24943486, 23144702). While the frequency of the Asn126Asp variant in African populations is higher than expected, this variant is considered a genetic modifier that increases the risk conferred by the p.Val68Met variant by at least two-fold (OR = 2.11, 95% CI 1.12-3.84, P=0.014) (PMID: 25201310). Based on the current evidence, this allele is classified as pathogenic for X-linked G6PD deficiency.Individuals with G6PD deficiency may be asymptomatic most of their life; however, exposure to certain triggers such as infections, fava beans, or certain drugs can lead to moderate-to-severe hemolytic anemia.Phenotypic expression in female carriers of pathogenic variants depends on X chromosome inactivation patterns (PMID: 26417175, 18177777).

Blueprint Genetics
Classification: Pathogenic for G6PD-related disorders. Last evaluated: 2024-11-26. Review status: criteria provided, single submitter. Criteria: ACMG Guidelines, 2015. Collection method: clinical testing. Allele origin: germline. Affected: yes. Observed: 5 variant alleles.

Department of Human Genetics, Hannover Medical School
Classification: Likely pathogenic for Anemia, nonspherocytic hemolytic, due to G6PD deficiency. Last evaluated: 2024-07-29. Review status: criteria provided, single submitter. Criteria: ACMG Guidelines, 2015. Collection method: clinical testing. Allele origin: germline. Affected: yes.